The following is an entry in ClinVar:

ClinVar aggregate classification (germline): Uncertain significance. Review status: criteria provided, multiple submitters, no conflicts (2 of 4 stars). 2 submissions from 2 submitters: Uncertain significance (2). Last evaluated 2025-10-13.

Conditions:
Retinitis pigmentosa 59 (RP59). Identifiers: Orphanet 791, MedGen C3151227, MONDO:0013468, OMIM 613861.

gnomAD v4.1: 4 of 1,613,952 alleles (0.00025%); highest among the groups gnomAD compares: Non-Finnish European, 0.00034%; no homozygotes.

Submissions (2):

Labcorp Genetics (formerly Invitae), Labcorp
Classification: Uncertain significance for Retinitis pigmentosa 59. Last evaluated: 2025-10-13. Review status: criteria provided, single submitter. Criteria: Invitae Variant Classification Sherloc (09022015). Collection method: clinical testing. Allele origin: germline.
Comment: This sequence change replaces tyrosine, which is neutral and polar, with cysteine, which is neutral and slightly polar, at codon 193 of the DHDDS protein (p.Tyr193Cys). This variant is not present in population databases (gnomAD no frequency). This variant has not been reported in the literature in individuals affected with DHDDS-related conditions. Invitae Evidence Modeling of protein sequence and biophysical properties (such as structural, functional, and spatial information, amino acid conservation, physicochemical variation, residue mobility, and thermodynamic stability) has been performed for this missense variant. However, the output from this modeling did not meet the statistical confidence thresholds required to predict the impact of this variant on DHDDS protein function. In summary, the available evidence is currently insufficient to determine the role of this variant in disease. Therefore, it has been classified as a Variant of Uncertain Significance.

Blueprint Genetics
Classification: Uncertain significance. Last evaluated: 2024-09-12. Review status: criteria provided, single submitter. Criteria: ACMG Guidelines, 2015. Collection method: clinical testing. Allele origin: germline.

NM_205861.3(DHDDS):c.578A>G (p.Tyr193Cys)

Gene: DHDDS (dehydrodolichyl diphosphate synthase subunit; plus strand). Cytogenetic location: 1p36.11.
Variant type: single nucleotide variant.
Coding change: c.578A>G on transcript NM_205861.3 (MANE Select); coding-DNA position 578, A replaced by G.
Protein change: p.Tyr193Cys; replaces tyrosine 193 with cysteine.
Molecular consequence: missense variant.
Genome position (GRCh38, 1-based): chr1:26,457,826, A>G. VCF-style: chr1-26457826-A-G. GRCh37 (hg19) VCF-style: chr1-26784317-A-G.
Other names: c.476A>G, p.Tyr159Cys (NM_001243564.2); c.461A>G, p.Tyr154Cys (NM_001243565.2); c.299A>G, p.Tyr100Cys (NM_001319959.2); c.578A>G, p.Tyr193Cys (NM_024887.4); short protein forms Y100C, Y193C, Y154C, Y159C.
Identifiers: ClinVar variation 4772870 (VCV004772870.2).